The following is an entry in ClinVar:

ClinVar aggregate classification (germline): Benign (1 of 4 stars; one submission).

Submission:

GeneDx
Classification: Benign. Last evaluated: 2018-06-14. Review status: criteria provided, single submitter. Criteria: GeneDx Variant Classification (06012015). Collection method: clinical testing. Allele origin: germline. Affected: yes.
Comment: This variant is considered likely benign or benign based on one or more of the following criteria: it is a conservative change, it occurs at a poorly conserved position in the protein, it is predicted to be benign by multiple in silico algorithms, and/or has population frequency not consistent with disease.

NM_001379210.1(SLC25A26):c.498+68_498+76dup

Gene: SLC25A26 (solute carrier family 25 member 26; plus strand). Cytogenetic location: 3p14.1.
Variant type: Duplication.
Coding change: c.498+68_498+76dup on transcript NM_001379210.1 (MANE Select); bases 68 to 76 of the intron after coding-DNA position 498, 9 bases duplicated (AGAGTAGAA; older notation c.498+68_498+76dupAGAGTAGAA).
Molecular consequence: intron variant.
Genome position (GRCh38, 1-based): chr3:66,346,476-66,346,484, AGAGTAGAA duplicated; duplicating any 9 consecutive bases within chr3:66,346,475-66,346,484 gives the same sequence; the c. name uses the placement nearest the transcript's 3' end. VCF-style (leftmost placement, unchanged base first): chr3-66346474-G-GAAGAGTAGA. GRCh37 (hg19) VCF-style: chr3-66396898-G-GAAGAGTAGA.
Other names: c.498+68_498+76dup (NM_173471.4); c.234+68_234+76dup (NM_001350993.1, NM_001164796.1); c.498+66_498+67insAAGAGTAGA (NM_173471.3).
Identifiers: ClinVar variation 672597 (VCV000672597.1), dbSNP rs55937920, ClinGen allele CA76470181.